The following is an entry in ClinVar:

ClinVar aggregate classification (germline): Uncertain significance (1 of 4 stars; one submission).

Allele frequency attached by ClinVar (database versions not stated): gnomAD exomes 0.00001.
gnomAD v4.1: 10 of 1,564,208 alleles (0.00064%); highest among the groups gnomAD compares: Non-Finnish European, 0.00086%; no homozygotes.

Submission:

Labcorp Genetics (formerly Invitae), Labcorp
Classification: Uncertain significance. Last evaluated: 2025-06-27. Review status: criteria provided, single submitter. Criteria: Invitae Variant Classification Sherloc (09022015). Collection method: clinical testing. Allele origin: germline.
Comment: This sequence change replaces threonine, which is neutral and polar, with isoleucine, which is neutral and non-polar, at codon 761 of the ITGAM protein (p.Thr761Ile). This variant is present in population databases (no rsID available, gnomAD 0.001%). This variant has not been reported in the literature in individuals affected with ITGAM-related conditions. ClinVar contains an entry for this variant (Variation ID: 1904850). An algorithm developed to predict the effect of missense changes on protein structure and function outputs the following: PolyPhen-2: "Benign". The isoleucine amino acid residue is found in multiple mammalian species, which suggests that this missense change does not adversely affect protein function. In summary, the available evidence is currently insufficient to determine the role of this variant in disease. Therefore, it has been classified as a Variant of Uncertain Significance.

NM_000632.4(ITGAM):c.2282C>T (p.Thr761Ile)

Gene: ITGAM (integrin subunit alpha M; plus strand). Cytogenetic location: 16p11.2.
Variant type: single nucleotide variant.
Coding change: c.2282C>T on transcript NM_000632.4 (MANE Select); coding-DNA position 2282, C replaced by T.
Protein change: p.Thr761Ile; replaces threonine 761 with isoleucine.
Molecular consequence: missense variant.
Genome position (GRCh38, 1-based): chr16:31,324,775, C>T. VCF-style: chr16-31324775-C-T. GRCh37 (hg19) VCF-style: chr16-31336096-C-T.
Other names: c.2285C>T, p.Thr762Ile (NM_001145808.2); short protein forms T762I, T761I.
Identifiers: ClinVar variation 1904850 (VCV001904850.5), dbSNP rs1247445003, ClinGen allele CA395689394.
Genomic context (GRCh38, chr16:31,324,775, plus strand): 5'-CATTGTCTGCTTTCGGGAACCTCCGGCCAGTGCTGGCGGAGGATGCTCAGAGACTCTTCA[C>T]AGCCTTGGTGAGTCCAGAGTTGGGGTCCTGCAGGGGTGTGGAAGAGACCAGAGACCAAGG-3'
Protein context (NP_000623.2, residues 751-771): VLAEDAQRLF[Thr761Ile]ALFPFEKNCG